The following is an entry in ClinVar:

ClinVar aggregate classification (germline): Uncertain significance (1 of 4 stars; one submission).

Conditions:
Autosomal recessive limb-girdle muscular dystrophy type 2J (LGMDR10). Also called: MUSCULAR DYSTROPHY, LIMB-GIRDLE, AUTOSOMAL RECESSIVE 10; Limb-girdle muscular dystrophy, type 2J. Identifiers: Orphanet 140922, MedGen C1837342, MONDO:0012127, OMIM 608807.

Submission:

Laboratory of Medical Genetics, National & Kapodistrian University of Athens
Classification: Uncertain significance for Autosomal recessive limb-girdle muscular dystrophy type 2J. Last evaluated: 2022-03-21. Review status: criteria provided, single submitter. Criteria: ACMG Guidelines, 2015. Collection method: clinical testing. Allele origin: maternal. Affected: yes.
Comment: PM1, PM2, PM3, PP3

NM_001267550.2(TTN):c.107873T>A (p.Ile35958Asn)

Genes: TTN (titin; minus strand), TTN-AS1 (TTN antisense RNA 1; plus strand). Cytogenetic location: 2q31.2.
Variant type: single nucleotide variant.
Coding change: c.107873T>A on transcript NM_001267550.2 (MANE Select); coding-DNA position 107873, T replaced by A.
Protein change: p.Ile35958Asn; replaces isoleucine 35958 with asparagine.
Molecular consequence: missense variant.
Genome position (GRCh38, 1-based): chr2:178,527,115, A>T on the plus strand (T>A on the coding strand, the complement: TTN is on the minus strand). VCF-style: chr2-178527115-A-T. GRCh37 (hg19) VCF-style: chr2-179391842-A-T.
Other names: c.102950T>A, p.Ile34317Asn (NM_001256850.1); c.80678T>A, p.Ile26893Asn (NM_003319.4); c.100169T>A, p.Ile33390Asn (NM_133378.4); c.81053T>A, p.Ile27018Asn (NM_133432.3); c.81254T>A, p.Ile27085Asn (NM_133437.4); short protein forms I26893N, I27018N, I27085N, I33390N, I34317N, I35958N.
Identifiers: ClinVar variation 1708076 (VCV001708076.1), dbSNP rs2468224379, ClinGen allele CA349398575.